The following is an entry in ClinVar:

ClinVar aggregate classification (germline): Likely benign. Review status: criteria provided, single submitter (1 of 4 stars). 2 submissions from 2 submitters: Likely benign (1). 1 of the submissions does not count toward it. Last evaluated 2025-09-13.

Conditions:
CACNA1D-related disorder.

Allele frequency attached by ClinVar (database versions not stated): ESP Exome Variant Server 0.00008.
gnomAD v4.1: 17 of 1,608,294 alleles (0.0011%); highest among the groups gnomAD compares: Middle Eastern, 0.033%; no homozygotes.

Submissions (2):

Labcorp Genetics (formerly Invitae), Labcorp
Classification: Likely benign. Last evaluated: 2025-09-13. Review status: criteria provided, single submitter. Criteria: Invitae Variant Classification Sherloc (09022015). Collection method: clinical testing. Allele origin: germline.

PreventionGenetics, part of Exact Sciences
Classification: Likely benign for CACNA1D-related condition. Last evaluated: 2024-07-18. Review status: no assertion criteria provided. Collection method: clinical testing. Allele origin: germline. Not counted in ClinVar's aggregate classification.
Comment: This variant is classified as likely benign based on ACMG/AMP sequence variant interpretation guidelines (Richards et al. 2015 PMID: 25741868, with internal and published modifications).

NM_001128840.3(CACNA1D):c.3167+10C>T

Gene: CACNA1D (calcium voltage-gated channel subunit alpha1 D; plus strand). Cytogenetic location: 3p21.1.
Variant type: single nucleotide variant.
Coding change: c.3167+10C>T on transcript NM_001128840.3 (MANE Select); 10 bases into the intron after coding-DNA position 3167, C replaced by T.
Molecular consequence: intron variant.
Genome position (GRCh38, 1-based): chr3:53,745,885, C>T. VCF-style: chr3-53745885-C-T. GRCh37 (hg19) VCF-style: chr3-53779912-C-T.
Other names: c.3167+10C>T (NM_001128839.3); c.3227+10C>T (NM_000720.4, NM_000720.3).
Identifiers: ClinVar variation 2180233 (VCV002180233.5), dbSNP rs372522024, ClinGen allele CA2454469.